The following is an entry in ClinVar:

NM_000038.6(APC):c.4474del (p.Ala1492fs)

Gene: APC (APC regulator of Wnt signaling pathway; plus strand). Cytogenetic location: 5q22.2.
Variant type: Deletion.
Coding change: c.4474del on transcript NM_000038.6 (MANE Select); coding-DNA position 4474, one base deleted (G; older notation c.4474delG).
Protein change: p.Ala1492fs; shifts the reading frame from alanine 1492.
Molecular consequence: frameshift variant.
Genome position (GRCh38, 1-based): chr5:112,840,068, G deleted. VCF-style (leftmost placement, unchanged base first): chr5-112840067-TG-T. GRCh37 (hg19) VCF-style: chr5-112175764-TG-T.
Other names: c.4474del, p.Ala1492fs (NM_001127510.3, NM_001354895.2); c.4420del, p.Ala1474fs (NM_001127511.3); c.4528del, p.Ala1510fs (NM_001354896.2); c.4504del, p.Ala1502fs (NM_001354897.2); c.4399del, p.Ala1467fs (NM_001354898.2); c.4390del, p.Ala1464fs (NM_001354899.2); c.4351del, p.Ala1451fs (NM_001354900.2); c.4297del, p.Ala1433fs (NM_001354901.2); and 5 more; short protein forms A1401fs, A1492fs, A1502fs, A1391fs, A1433fs, A1467fs, A1510fs, A1366fs.
Identifiers: ClinVar variation 429057 (VCV000429057.14), dbSNP rs1131691144, ClinGen allele CA446206517.

ClinVar aggregate classification (germline): Pathogenic. Review status: criteria provided, multiple submitters, no conflicts (2 of 4 stars). 3 submissions from 3 submitters: Pathogenic (3). Last evaluated 2024-12-25.

Conditions:
Hereditary cancer-predisposing syndrome. Also called: Hereditary Cancer Syndrome; Neoplastic Syndromes, Hereditary; Hereditary neoplastic syndrome; Tumor predisposition. Identifiers: Orphanet 140162, MedGen C0027672, MeSH D009386, MONDO:0015356.
Familial adenomatous polyposis 1 (FAP1). Also called: FAMILIAL ADENOMATOUS POLYPOSIS 1, ATTENUATED; POLYPOSIS, ADENOMATOUS INTESTINAL. Identifiers: MedGen C2713442, MONDO:0021056, OMIM 175100. Disease mechanism: loss of function.

Submissions (3):

Labcorp Genetics (formerly Invitae), Labcorp
Classification: Pathogenic for Familial adenomatous polyposis 1. Last evaluated: 2024-12-25. Review status: criteria provided, single submitter. Criteria: Invitae Variant Classification Sherloc (09022015). Collection method: clinical testing. Allele origin: germline.
Comment: This sequence change creates a premature translational stop signal (p.Ala1492Profs*15) in the APC gene. While this is not anticipated to result in nonsense mediated decay, it is expected to disrupt the last 1352 amino acid(s) of the APC protein. This variant is not present in population databases (gnomAD no frequency). This variant has not been reported in the literature in individuals affected with APC-related conditions. ClinVar contains an entry for this variant (Variation ID: 429057). This variant is expected to disrupt the EB1 and HDLG binding sites, which mediate interactions with the cytoskeleton (PMID: 15311282, 17293347). While functional studies have not been performed to directly test the effect on APC protein function, this suggests that disruption of the C-terminal portion of the protein is functionally important. A different truncation (p.Tyr2645Lysfs*14) that lies downstream of this variant has been determined to be pathogenic (PMID: 9824584, 1316610, 27081525, 8381579, 22135120, internal data). This suggests that deletion of this region of the APC protein is causative of disease. For these reasons, this variant has been classified as Pathogenic.

Myriad Genetics, Inc.
Classification: Pathogenic for Familial adenomatous polyposis 1. Last evaluated: 2023-05-11. Review status: criteria provided, single submitter. Criteria: Myriad Autosomal Dominant, Autosomal Recessive and X-Linked Classification Criteria (2023). Collection method: clinical testing. Allele origin: unknown.
Comment: This variant is considered pathogenic. This variant creates a frameshift predicted to result in premature protein truncation.

Ambry Genetics
Classification: Pathogenic for Hereditary cancer-predisposing syndrome. Last evaluated: 2013-10-01. Review status: criteria provided, single submitter. Criteria: Ambry Autosomal Dominant and X-Linked criteria (10/2015). Collection method: clinical testing. Allele origin: germline. Observed: 1 variant allele.
Comment: Ã¢â‚¬â€¹The c.4474delG pathogenic mutation, located in coding exon 15 of the APC gene, results from a deletion of one nucleotide at position 4474, causing a translational frameshift with a predicted alternate stop codon. Since frameshifts are typically deleterious in nature, this alteration is interpreted as a disease-causing mutation (ACMG Recommendations for Standards for Interpretation and Reporting of Sequence Variations. Revision 2007. Genet Med. 2008;10:294).

Literature cited by the submitters: PubMed 15311282 (cited by Labcorp Genetics (formerly Invitae), Labcorp); PubMed 17293347 (cited by Labcorp Genetics (formerly Invitae), Labcorp); PubMed 9824584 (cited by Labcorp Genetics (formerly Invitae), Labcorp); PubMed 1316610 (cited by Labcorp Genetics (formerly Invitae), Labcorp); PubMed 27081525 (cited by Labcorp Genetics (formerly Invitae), Labcorp); PubMed 8381579 (cited by Labcorp Genetics (formerly Invitae), Labcorp); PubMed 22135120 (cited by Labcorp Genetics (formerly Invitae), Labcorp).